The following is an entry in ClinVar:

NM_170606.3(KMT2C):c.2571C>T (p.Ser857=)

Gene: KMT2C (lysine methyltransferase 2C; minus strand). Cytogenetic location: 7q36.1.
Variant type: single nucleotide variant.
Coding change: c.2571C>T on transcript NM_170606.3 (MANE Select); coding-DNA position 2571, C replaced by T.
Protein change: p.Ser857=; no amino-acid change (serine 857 retained).
Molecular consequence: synonymous variant.
Genome position (GRCh38, 1-based): chr7:152,238,788, G>A on the plus strand (C>T on the coding strand, the complement: KMT2C is on the minus strand). VCF-style: chr7-152238788-G-A. GRCh37 (hg19) VCF-style: chr7-151935873-G-A.
Identifiers: ClinVar variation 2575078 (VCV002575078.2), dbSNP rs2485789680, ClinGen allele CA458702842.

ClinVar aggregate classification (germline): Likely pathogenic (0 of 4 stars; one submission).

Conditions:
Tip-toe gait. Also called: Toe walking. Identifiers: MedGen C0427144, HP:0030051.

Submission:

Practice for Gait Abnormalities, David Pomarino, Competency Network Toe Walking C/o Practice Pomarino
Classification: Likely pathogenic for Tip-toe gait. Last evaluated: 2021-05-10. Review status: no assertion criteria provided. Collection method: clinical testing. Allele origin: germline. Affected: yes.
Comment: Hereditary motor sensory neuropathy (HMSN), also known as Charcot-Marie-Tooth Disease (CMT), is the most commonly inherited peripheral polyneuropathy. It constitutes a group of inherited, progressive, motor and sensory peripheral nerve disorders with properties of demyelination, axonal degeneration, or both. It is classified by clinical characteristics, modes of inheritance, electrophysiologic features, metabolic defects, and specific gene markers. Our patients all walk on tiptoe, so they show similar symptoms. When we genetically test them with our toe walking panel, we find that around 90 per cent of them have a genetic variant that explains their toe walking. These can be assigned, for example, to the area of myopathies (such as variants of the COL6A3 gene), the area of hereditary neuropathies (such as variants of the KMT2C gene) or the area of metabolic diseases (such as variants of the PYGM gene). In a smaller group of patients with almost identical symptoms, no abnormality is found in the genes of our panel, but spastic paraplegia can be detected. In another small group of our toe walkers, no abnormalities can be detected in the genes analysed in our toe walking panel, nor do they suffer from spastic paraplegia, as is also the case with healthy children. In contrast to these, however, they show a tiptoe gait. These patients suffer from infantile cerebral palsy, in which toe walking can also be observed.

Literature cited by the submitters: PubMed 37091313.